The following is an entry in ClinVar:

ClinVar aggregate classification (germline): Uncertain significance. Review status: criteria provided, multiple submitters, no conflicts (2 of 4 stars). 2 submissions from 2 submitters: Uncertain significance (2). Last evaluated 2025-05-20.

Conditions:
Inborn genetic diseases. Identifiers: MedGen C0950123, MeSH D030342.

gnomAD v4.1: 10 of 1,612,402 alleles (0.00062%); highest among the groups gnomAD compares: African/African-American, 0.011%; no homozygotes.

Submissions (2):

Ambry Genetics
Classification: Uncertain significance for Inborn genetic diseases. Last evaluated: 2025-05-20. Review status: criteria provided, single submitter. Criteria: Ambry Variant Classification Scheme 2023. Collection method: clinical testing. Allele origin: germline.

Labcorp Genetics (formerly Invitae), Labcorp
Classification: Uncertain significance. Last evaluated: 2022-06-01. Review status: criteria provided, single submitter. Criteria: Invitae Variant Classification Sherloc (09022015). Collection method: clinical testing. Allele origin: germline.
Comment: This sequence change replaces arginine, which is basic and polar, with leucine, which is neutral and non-polar, at codon 691 of the ADAMTS10 protein (p.Arg691Leu). This variant is present in population databases (rs782548245, gnomAD 0.01%). This variant has not been reported in the literature in individuals affected with ADAMTS10-related conditions. Algorithms developed to predict the effect of missense changes on protein structure and function are either unavailable or do not agree on the potential impact of this missense change (SIFT: "Deleterious"; PolyPhen-2: "Benign"; Align-GVGD: "Class C35"). In summary, the available evidence is currently insufficient to determine the role of this variant in disease. Therefore, it has been classified as a Variant of Uncertain Significance.

NM_030957.4(ADAMTS10):c.2072G>T (p.Arg691Leu)

Gene: ADAMTS10 (ADAM metallopeptidase with thrombospondin type 1 motif 10; minus strand). Cytogenetic location: 19p13.2.
Variant type: single nucleotide variant.
Coding change: c.2072G>T on transcript NM_030957.4 (MANE Select); coding-DNA position 2072, G replaced by T.
Protein change: p.Arg691Leu; replaces arginine 691 with leucine.
Molecular consequence: missense variant.
Genome position (GRCh38, 1-based): chr19:8,589,328, C>A on the plus strand (G>T on the coding strand, the complement: ADAMTS10 is on the minus strand). VCF-style: chr19-8589328-C-A. GRCh37 (hg19) VCF-style: chr19-8654212-C-A.
Other names: c.533G>T, p.Arg178Leu (NM_001282352.2); c.2072G>T (NM_030957.2); short protein forms R178L, R691L.
Identifiers: ClinVar variation 1979787 (VCV001979787.2), dbSNP rs782548245, ClinGen allele CA9160233.
Genomic context (GRCh38, chr19:8,589,328, plus strand): 5'-ACGCCCTCGATGGTCTCGCAGGCACTGCCGTCACCGCCACACACTCGGCACTTGTCCTCC[C>A]GCAGGTCGGAGCCCAGGACTCGGTCGCAGCCCACGTGCTGCGTGGAGAAGGCGTGAGTGA-3'
Protein context (NP_112219.3, residues 681-701): GCDRVLGSDL[Arg691Leu]EDKCRVCGGD